The following is an entry in ClinVar:

ClinVar aggregate classification (germline): Uncertain significance (1 of 4 stars; one submission).

Conditions:
Primary ciliary dyskinesia 33. Also called: CILIARY DYSKINESIA, PRIMARY, 33, WITHOUT SITUS INVERSUS. Identifiers: Orphanet 244, MedGen C4225230, MONDO:0014750, OMIM 616726.

Allele frequency attached by ClinVar (database versions not stated): ExAC 0.00001; gnomAD exomes 0.00001.
gnomAD v4.1: 3 of 1,604,412 alleles (0.00019%); highest among the groups gnomAD compares: Admixed American, 0.0017%; no homozygotes.

Submission:

Labcorp Genetics (formerly Invitae), Labcorp
Classification: Uncertain significance for Primary ciliary dyskinesia 33. Last evaluated: 2022-03-07. Review status: criteria provided, single submitter. Criteria: Invitae Variant Classification Sherloc (09022015). Collection method: clinical testing. Allele origin: germline.
Comment: Algorithms developed to predict the effect of missense changes on protein structure and function output the following: SIFT: "Tolerated"; PolyPhen-2: "Benign"; Align-GVGD: "Class C0". The valine amino acid residue is found in multiple mammalian species, which suggests that this missense change does not adversely affect protein function. In summary, the available evidence is currently insufficient to determine the role of this variant in disease. Therefore, it has been classified as a Variant of Uncertain Significance. This variant has not been reported in the literature in individuals affected with GAS8-related conditions. This variant is present in population databases (rs773906583, gnomAD 0.001%). This sequence change replaces leucine, which is neutral and non-polar, with valine, which is neutral and non-polar, at codon 401 of the GAS8 protein (p.Leu401Val).

NM_001481.3(DRC4):c.1201C>G (p.Leu401Val)

Gene: DRC4 (dynein regulatory complex subunit 4; plus strand). Cytogenetic location: 16q24.3.
Variant type: single nucleotide variant.
Coding change: c.1201C>G on transcript NM_001481.3 (MANE Select); coding-DNA position 1201, C replaced by G.
Protein change: p.Leu401Val; replaces leucine 401 with valine.
Molecular consequence: missense variant.
Genome position (GRCh38, 1-based): chr16:90,040,489, C>G. VCF-style: chr16-90040489-C-G. GRCh37 (hg19) VCF-style: chr16-90106897-C-G.
Other names: c.952C>G, p.Leu318Val (NM_001286205.2); c.625C>G, p.Leu209Val (NM_001286208.2); c.1126C>G, p.Leu376Val (NM_001286209.2); short protein forms L209V, L401V, L318V, L376V.
Identifiers: ClinVar variation 2158822 (VCV002158822.4), dbSNP rs773906583, ClinGen allele CA8258130.
Genomic context (GRCh38, chr16:90,040,489, plus strand): 5'-AAGGAGGTGCAGTTCAACGAGGTCCTGGCTGCCTCTAACCTGGACCCTGCAGCCCTGACG[C>G]TGGTGTCCCGCAAGCTGGAGGTAGGCCCTAGACAGGCTCCTGACCCCAGTGGGCGGCCTC-3'
Protein context (NP_001472.1, residues 391-411): ASNLDPAALT[Leu401Val]VSRKLEDVLE